The following is an entry in ClinVar:

NM_133642.5(LARGE1):c.2136C>T (p.Phe712=)

Gene: LARGE1 (LARGE xylosyl- and glucuronyltransferase 1; minus strand). Cytogenetic location: 22q12.3.
Variant type: single nucleotide variant.
Coding change: c.2136C>T on transcript NM_133642.5 (MANE Select); coding-DNA position 2136, C replaced by T.
Protein change: p.Phe712=; no amino-acid change (phenylalanine 712 retained).
Molecular consequence: synonymous variant.
Genome position (GRCh38, 1-based): chr22:33,274,562, G>A on the plus strand (C>T on the coding strand, the complement: LARGE1 is on the minus strand). VCF-style: chr22-33274562-G-A. GRCh37 (hg19) VCF-style: chr22-33670548-G-A.
Other names: c.2136C>T, p.Phe712= (NM_001362949.2, NM_001362951.2, NM_001362953.2 and 4 more transcripts); c.1989C>T, p.Phe663= (NM_001378627.1, NM_001378628.1); c.1980C>T, p.Phe660= (NM_001378629.1); c.1533C>T, p.Phe511= (NM_001378630.1); c.1230C>T, p.Phe410= (NM_001378631.1).
Identifiers: ClinVar variation 711209 (VCV000711209.11), dbSNP rs767177452, ClinGen allele CA10202552.

ClinVar aggregate classification (germline): Likely benign. Review status: criteria provided, multiple submitters, no conflicts (2 of 4 stars). 3 submissions from 3 submitters: Likely benign (3). Last evaluated 2026-04-01.

Conditions:
Muscular dystrophy-dystroglycanopathy type B6 (MDDGB6). Also called: MUSCULAR DYSTROPHY, CONGENITAL, LARGE-RELATED; MUSCULAR DYSTROPHY, CONGENITAL, TYPE 1D; MUSCULAR DYSTROPHY-DYSTROGLYCANOPATHY (CONGENITAL WITH IMPAIRED INTELLECTUAL DEVELOPMENT), TYPE B, 6. Identifiers: MedGen C1837229, MONDO:0012138, OMIM 608840.

Allele frequency attached by ClinVar (database versions not stated): TOPMed 0.00001; gnomAD 0.00003; ExAC 0.00006.
gnomAD v4.1: 14 of 1,614,006 alleles (0.00087%); highest among the groups gnomAD compares: East Asian, 0.0022%; 1 homozygote.

Submissions (3):

CeGaT Center for Human Genetics Tuebingen
Classification: Likely benign. Last evaluated: 2026-04-01. Review status: criteria provided, single submitter. Criteria: CeGaT Center For Human Genetics Tuebingen Variant Classification Criteria Version 2. Collection method: clinical testing. Allele origin: germline. Affected: yes. Observed: 1 variant allele.
Comment: LARGE1: BP4, BP7

Blueprint Genetics
Classification: Likely benign. Last evaluated: 2024-04-02. Review status: criteria provided, single submitter. Criteria: ACMG Guidelines, 2015. Collection method: clinical testing. Allele origin: germline.

Labcorp Genetics (formerly Invitae), Labcorp
Classification: Likely benign for Muscular dystrophy-dystroglycanopathy type B6. Last evaluated: 2023-12-30. Review status: criteria provided, single submitter. Criteria: Invitae Variant Classification Sherloc (09022015). Collection method: clinical testing. Allele origin: germline.